The following is an entry in ClinVar:

ClinVar aggregate classification (germline): Uncertain significance (1 of 4 stars; one submission).

gnomAD v4.1: 4 of 1,614,000 alleles (0.00025%); highest among the groups gnomAD compares: Non-Finnish European, 0.00025%; no homozygotes.

Submission:

Labcorp Genetics (formerly Invitae), Labcorp
Classification: Uncertain significance. Last evaluated: 2025-10-13. Review status: criteria provided, single submitter. Criteria: Invitae Variant Classification Sherloc (09022015). Collection method: clinical testing. Allele origin: germline.
Comment: This sequence change replaces asparagine, which is neutral and polar, with lysine, which is basic and polar, at codon 8 of the SYT2 protein (p.Asn8Lys). This variant is present in population databases (no rsID available, gnomAD 0.0008%). This variant has not been reported in the literature in individuals affected with SYT2-related conditions. Experimental studies and prediction algorithms are not available or were not evaluated, and the functional significance of this variant is currently unknown. In summary, the available evidence is currently insufficient to determine the role of this variant in disease. Therefore, it has been classified as a Variant of Uncertain Significance.

NM_177402.5(SYT2):c.24C>A (p.Asn8Lys)

Gene: SYT2 (synaptotagmin 2; minus strand). Cytogenetic location: 1q32.1.
Variant type: single nucleotide variant.
Coding change: c.24C>A on transcript NM_177402.5 (MANE Select); coding-DNA position 24, C replaced by A.
Protein change: p.Asn8Lys; replaces asparagine 8 with lysine.
Molecular consequence: missense variant.
Genome position (GRCh38, 1-based): chr1:202,605,749, G>T on the plus strand (C>A on the coding strand, the complement: SYT2 is on the minus strand). VCF-style: chr1-202605749-G-T. GRCh37 (hg19) VCF-style: chr1-202574877-G-T.
Other names: c.24C>A, p.Asn8Lys (NM_001136504.1); short protein forms N8K.
Identifiers: ClinVar variation 4690756 (VCV004690756.1).